The following is an entry in ClinVar:

NM_001303052.2(MYT1L):c.2395C>T (p.Gln799Ter)

Gene: MYT1L (myelin transcription factor 1 like; minus strand). Cytogenetic location: 2p25.3.
Variant type: single nucleotide variant.
Coding change: c.2395C>T on transcript NM_001303052.2 (MANE Select); coding-DNA position 2395, C replaced by T.
Protein change: p.Gln799Ter; replaces glutamine 799 with a stop codon.
Molecular consequence: nonsense.
Genome position (GRCh38, 1-based): chr2:1,889,366, G>A on the plus strand (C>T on the coding strand, the complement: MYT1L is on the minus strand). VCF-style: chr2-1889366-G-A. GRCh37 (hg19) VCF-style: chr2-1893138-G-A.
Other names: c.2395C>T, p.Gln799Ter (NM_001329844.2, NM_001329845.1, NM_001329851.3); c.2389C>T, p.Gln797Ter (NM_001329846.3, NM_001329847.2, NM_001329848.1 and 3 more transcripts); short protein forms Q797*, Q799*.
Identifiers: ClinVar variation 4818979 (VCV004818979.2).

ClinVar aggregate classification (germline): Pathogenic (1 of 4 stars; one submission).

Conditions:
Intellectual developmental disorder, autosomal dominant 39. Also called: Mental retardation, autosomal dominant 39; Intellectual disability, autosomal dominant 39. Identifiers: MedGen C4225296, MONDO:0014678, OMIM 616521.

Submission:

Victorian Clinical Genetics Services, Murdoch Childrens Research Institute
Classification: Pathogenic for Intellectual developmental disorder, autosomal dominant 39. Last evaluated: 2026-02-09. Review status: criteria provided, single submitter. Criteria: ACMG Guidelines, 2015. Collection method: clinical testing. Allele origin: germline. Affected: yes.
Comment: This variant is classified as Pathogenic. Evidence in support of pathogenic classification: Variant is predicted to cause nonsense-mediated decay (NMD) and loss of protein (premature termination codon is located at least 54 nucleotides upstream of the final exon-exon junction); Variant is absent from gnomAD (v2, v3 and v4); Other NMD-predicted variant(s) comparable to the one identified in this case have very strong previous evidence for pathogenicity (DECIPHER); Additional information: This variant is heterozygous; This gene is associated with autosomal dominant disease; This variant has no previous evidence of pathogenicity; No published evidence of segregation with disease has been identified for this variant; No published functional evidence has been identified for this variant; Loss of function is a known mechanism of disease in this gene and is associated with autosomal dominant intellectual developmental disorder 39 (MIM#616521); Variants in this gene are known to have variable expressivity. Individuals with pathogenic variants in this gene presented with variable phenotypes and severity (PMID: 33622623).

Literature cited by the submitters: PubMed 33622623.